The following is an entry in ClinVar:

NM_182641.4(BPTF):c.1568T>C (p.Met523Thr)

Gene: BPTF (bromodomain PHD finger transcription factor; plus strand). Cytogenetic location: 17q24.2.
Variant type: single nucleotide variant.
Coding change: c.1568T>C on transcript NM_182641.4 (MANE Select); coding-DNA position 1568, T replaced by C.
Protein change: p.Met523Thr; replaces methionine 523 with threonine.
Molecular consequence: missense variant.
Genome position (GRCh38, 1-based): chr17:67,866,595, T>C. VCF-style: chr17-67866595-T-C. GRCh37 (hg19) VCF-style: chr17-65862711-T-C.
Other names: c.1568T>C, p.Met523Thr (NM_004459.7); short protein forms M523T.
Identifiers: ClinVar variation 931495 (VCV000931495.3), dbSNP rs1168915388, ClinGen allele CA400713936.

ClinVar aggregate classification (germline): Uncertain significance (1 of 4 stars; one submission).

Conditions:
Neurodevelopmental disorder with dysmorphic facies and distal limb anomalies. Identifiers: Orphanet 686482, MedGen C4540327, MONDO:0060596, OMIM 617755.

Submission:

Centre for Mendelian Genomics, University Medical Centre Ljubljana
Classification: Uncertain significance for Neurodevelopmental disorder with dysmorphic facies and distal limb anomalies. Last evaluated: 2019-05-07. Review status: criteria provided, single submitter. Criteria: ACMG Guidelines, 2015. Collection method: clinical testing. Allele origin: unknown. Affected: yes.
Comment: This variant was classified as: Uncertain significance. The available evidence on this variant's pathogenicity is insufficient or conflicting. The following ACMG criteria were applied in classifying this variant: PM2.